The following is an entry in ClinVar:

ClinVar aggregate classification (germline): Uncertain significance. Review status: criteria provided, multiple submitters, no conflicts (2 of 4 stars). 4 submissions from 4 submitters: Uncertain significance (4). Last evaluated 2026-08-07.

Conditions:
Autosomal recessive limb-girdle muscular dystrophy type 2A (LGMDR1). Also called: Muscular dystrophy, limb-girdle, type 2A, Amish; Calpainopathy; Limb-girdle muscular dystrophy, type 2A; LEYDEN-MOEBIUS MUSCULAR DYSTROPHY; MUSCULAR DYSTROPHY, PELVOFEMORAL. Identifiers: Orphanet 267, MedGen C1869123, MONDO:0009675, OMIM 253600. Disease mechanism: loss of function.
Muscular dystrophy, limb-girdle, autosomal dominant 4. Also called: Calpain-3-related limb-girdle muscular dystrophy D4; MUSCULAR DYSTROPHY, LIMB-GIRDLE, TYPE 1I. Identifiers: Orphanet 565909, MedGen C4748295, MONDO:0029133, OMIM 618129.

Allele frequency attached by ClinVar (database versions not stated): ExAC below 0.00001; TOPMed below 0.00001; gnomAD 0.00001; gnomAD exomes 0.00001 and 0.00002.

Submissions (4):

Myriad Genetics, Inc.
Classification: Uncertain significance for Autosomal recessive limb-girdle muscular dystrophy type 2A. Last evaluated: 2026-08-07. Review status: criteria provided, single submitter. Criteria: Myriad Autosomal Dominant, Autosomal Recessive and X-Linked Classification Criteria (2023). Collection method: clinical testing. Allele origin: unknown.
Comment: NM_000070.2(CAPN3):c.1113T>A(D371E) is a missense variant classified as a variant of uncertain significance in the context of calpainopathy. D371E has been observed in a case with relevant disease (PMID: 31066050). Relevant functional assessments of this variant are not available in the literature. D371E has been observed in referenced population frequency databases. In summary, there is insufficient evidence to classify NM_000070.2(CAPN3):c.1113T>A(D371E) as pathogenic or benign. Please note: this variant was assessed in the context of healthy population screening.

Labcorp Genetics (formerly Invitae), Labcorp
Classification: Uncertain significance for Autosomal recessive limb-girdle muscular dystrophy type 2A. Last evaluated: 2025-05-16. Review status: criteria provided, single submitter. Criteria: Invitae Variant Classification Sherloc (09022015). Collection method: clinical testing. Allele origin: germline.
Comment: This sequence change replaces aspartic acid, which is acidic and polar, with glutamic acid, which is acidic and polar, at codon 371 of the CAPN3 protein (p.Asp371Glu). This variant is present in population databases (rs774834498, gnomAD 0.002%). This missense change has been observed in individual(s) with autosomal dominant limb-girdle muscular dystrophy (PMID: 31066050). ClinVar contains an entry for this variant (Variation ID: 930311). An algorithm developed to predict the effect of missense changes on protein structure and function (PolyPhen-2) suggests that this variant is likely to be tolerated. In summary, the available evidence is currently insufficient to determine the role of this variant in disease. Therefore, it has been classified as a Variant of Uncertain Significance.

CeGaT Center for Human Genetics Tuebingen
Classification: Uncertain significance. Last evaluated: 2023-12-01. Review status: criteria provided, single submitter. Criteria: CeGaT Center For Human Genetics Tuebingen Variant Classification Criteria Version 2. Collection method: clinical testing. Allele origin: germline. Affected: yes. Observed: 1 variant allele.
Comment: CAPN3: PM1, PM2:Supporting, PP2

Centre for Mendelian Genomics, University Medical Centre Ljubljana
Classification: Uncertain significance for Muscular dystrophy, limb-girdle, autosomal dominant 4. Last evaluated: 2018-11-30. Review status: criteria provided, single submitter. Criteria: ACMG Guidelines, 2015. Collection method: clinical testing. Allele origin: unknown. Affected: yes.
Comment: This variant was classified as: Uncertain significance. The available evidence on this variant's pathogenicity is insufficient or conflicting. The following ACMG criteria were applied in classifying this variant: PP3.

Literature cited by the submitters: PubMed 31066050 (cited by Myriad Genetics, Inc. and Labcorp Genetics (formerly Invitae), Labcorp).

NM_000070.3(CAPN3):c.1113T>A (p.Asp371Glu)

Gene: CAPN3 (calpain 3; plus strand). Cytogenetic location: 15q15.1.
Variant type: single nucleotide variant.
Coding change: c.1113T>A on transcript NM_000070.3 (MANE Select); coding-DNA position 1113, T replaced by A.
Protein change: p.Asp371Glu; replaces aspartic acid 371 with glutamic acid.
Molecular consequence: missense variant.
Genome position (GRCh38, 1-based): chr15:42,394,339, T>A. VCF-style: chr15-42394339-T-A. GRCh37 (hg19) VCF-style: chr15-42686537-T-A.
Other names: c.1113T>A, p.Asp371Glu (NM_024344.2); c.969T>A, p.Asp323Glu (NM_173087.2); short protein forms D323E, D371E.
Identifiers: ClinVar variation 930311 (VCV000930311.31), dbSNP rs774834498, ClinGen allele CA7511244.